The following is an entry in ClinVar:

ClinVar aggregate classification (germline): Likely benign (1 of 4 stars; one submission).

Submission:

CeGaT Center for Human Genetics Tuebingen
Classification: Likely benign. Last evaluated: 2026-03-01. Review status: criteria provided, single submitter. Criteria: CeGaT Center For Human Genetics Tuebingen Variant Classification Criteria Version 2. Collection method: clinical testing. Allele origin: germline. Affected: yes. Observed: 1 variant allele.
Comment: DNAJC30: PM2:Supporting, BP4, BP7

NM_032317.3(DNAJC30):c.297G>A (p.Val99=)

Gene: DNAJC30 (DnaJ heat shock protein family (Hsp40) member C30; minus strand). Cytogenetic location: 7q11.23.
Variant type: single nucleotide variant.
Coding change: c.297G>A on transcript NM_032317.3 (MANE Select); coding-DNA position 297, G replaced by A.
Protein change: p.Val99=; no amino-acid change (valine 99 retained).
Molecular consequence: synonymous variant.
Genome position (GRCh38, 1-based): chr7:73,683,127, C>T on the plus strand (G>A on the coding strand, the complement: DNAJC30 is on the minus strand). VCF-style: chr7-73683127-C-T. GRCh37 (hg19) VCF-style: chr7-73097457-C-T.
Identifiers: ClinVar variation 4823496 (VCV004823496.4).